The following is an entry in ClinVar:

NM_001458.5(FLNC):c.7565T>C (p.Val2522Ala)

Genes: FLNC (filamin C; plus strand), FLNC-AS1 (FLNC antisense RNA 1; minus strand). Cytogenetic location: 7q32.1.
Variant type: single nucleotide variant.
Coding change: c.7565T>C on transcript NM_001458.5 (MANE Select); coding-DNA position 7565, T replaced by C.
Protein change: p.Val2522Ala; replaces valine 2522 with alanine.
Molecular consequence: missense variant.
Genome position (GRCh38, 1-based): chr7:128,857,121, T>C. VCF-style: chr7-128857121-T-C. GRCh37 (hg19) VCF-style: chr7-128497175-T-C.
Other names: c.7466T>C, p.Val2489Ala (NM_001127487.2); short protein forms V2489A, V2522A.
Identifiers: ClinVar variation 2072131 (VCV002072131.4), dbSNP rs2536671121, ClinGen allele CA369219163.

ClinVar aggregate classification (germline): Uncertain significance (1 of 4 stars; one submission).

Conditions:
Myofibrillar myopathy 5. Also called: Filaminopathy (type); FILAMINOPATHY, AUTOSOMAL DOMINANT. Identifiers: Orphanet 171445, MedGen C1836050, MONDO:0012289, OMIM 609524.
Distal myopathy with posterior leg and anterior hand involvement. Also called: WILLIAMS DISTAL MYOPATHY. Identifiers: Orphanet 63273, MedGen C3279722, MONDO:0013550, OMIM 614065.
Hypertrophic cardiomyopathy 26. Also called: Cardiomyopathy, familial hypertrophic, 26. Identifiers: Orphanet 75249, MedGen C4310749, MONDO:0014883, OMIM 617047.

Allele frequency attached by ClinVar (database versions not stated): gnomAD exomes below 0.00001.
gnomAD v4.1: 2 of 1,614,000 alleles (0.00012%); highest among the groups gnomAD compares: Non-Finnish European, 0.00017%; no homozygotes.

Submission:

Labcorp Genetics (formerly Invitae), Labcorp
Classification: Uncertain significance for Distal myopathy with posterior leg and anterior hand involvement; Myofibrillar myopathy 5; Hypertrophic cardiomyopathy 26. Last evaluated: 2022-02-08. Review status: criteria provided, single submitter. Criteria: Invitae Variant Classification Sherloc (09022015). Collection method: clinical testing. Allele origin: germline.
Comment: In summary, the available evidence is currently insufficient to determine the role of this variant in disease. Therefore, it has been classified as a Variant of Uncertain Significance. Algorithms developed to predict the effect of missense changes on protein structure and function (SIFT, PolyPhen-2, Align-GVGD) all suggest that this variant is likely to be tolerated. This variant has not been reported in the literature in individuals affected with FLNC-related conditions. This variant is not present in population databases (gnomAD no frequency). This sequence change replaces valine, which is neutral and non-polar, with alanine, which is neutral and non-polar, at codon 2522 of the FLNC protein (p.Val2522Ala).